The following is an entry in ClinVar:

NM_000191.3(HMGCL):c.144+1G>A

Gene: HMGCL (3-hydroxy-3-methylglutaryl-CoA lyase; minus strand). Cytogenetic location: 1p36.11.
Variant type: single nucleotide variant.
Coding change: c.144+1G>A on transcript NM_000191.3 (MANE Select); the canonical splice donor site of the intron after coding-DNA position 144, G replaced by A.
Molecular consequence: splice donor variant.
Genome position (GRCh38, 1-based): chr1:23,820,509, C>T on the plus strand (G>A on the coding strand, the complement: HMGCL is on the minus strand). VCF-style: chr1-23820509-C-T. GRCh37 (hg19) VCF-style: chr1-24146999-C-T.
Other names: c.144+1G>A (NM_000191.2, NM_001166059.2).
Identifiers: ClinVar variation 1067178 (VCV001067178.9), dbSNP rs1638698732, ClinGen allele CA339030213.

ClinVar aggregate classification (germline): Likely pathogenic. Review status: criteria provided, multiple submitters, no conflicts (2 of 4 stars). 2 submissions from 2 submitters: Likely pathogenic (2). Last evaluated 2025-11-21.

Conditions:
Deficiency of hydroxymethylglutaryl-CoA lyase (HMGCLD). Also called: HMGCL DEFICIENCY; HYDROXYMETHYLGLUTARIC ACIDURIA; HMG-CoA LYASE DEFICIENCY; Defect in leucine metabolism; 3-hydroxy-3-methylglutaric aciduria. Identifiers: Orphanet 20, MedGen C1533587, MONDO:0009520, OMIM 246450.
Long chain 3-hydroxyacyl-CoA dehydrogenase deficiency. Also called: LCHAD Deficiency; Deficiency of long-chain 3-hydroxyacyl-coenzyme A dehydrogenase. Identifiers: Orphanet 5, MedGen C3711645, MONDO:0012173, OMIM 609016.

Allele frequency attached by ClinVar (database versions not stated): gnomAD exomes below 0.00001; gnomAD 0.00001.

Submissions (2):

Natera, Inc.
Classification: Likely pathogenic for Deficiency of long-chain 3-hydroxyacyl-coenzyme A dehydrogenase. Last evaluated: 2025-11-21. Review status: criteria provided, single submitter. Criteria: Natera Variant Classification Schema (03/2026). Collection method: clinical testing. Allele origin: germline.
Comment: The c.144+1G>A variant in HMGCL is a canonical splice donor site variant predicted to affect pre-mRNA splicing, which may result in an abnormal transcript and altered protein product. This variant is expected to result in nonsense mediated decay, truncation, or a dysfunctional protein product. This variant is rare in the general population with a frequency below the threshold expected for the associated phenotype(s). Given the available evidence, this variant is classified as Likely Pathogenic.

Labcorp Genetics (formerly Invitae), Labcorp
Classification: Likely pathogenic for Deficiency of hydroxymethylglutaryl-CoA lyase. Last evaluated: 2020-09-20. Review status: criteria provided, single submitter. Criteria: Invitae Variant Classification Sherloc (09022015). Collection method: clinical testing. Allele origin: germline.
Comment: This variant is not present in population databases (ExAC no frequency). In summary, the currently available evidence indicates that the variant is pathogenic, but additional data are needed to prove that conclusively. Therefore, this variant has been classified as Likely Pathogenic. Donor and acceptor splice site variants typically lead to a loss of protein function (PMID: 16199547), and loss-of-function variants in HMGCL are known to be pathogenic (PMID: 9817922, 17692550, 23465862). Algorithms developed to predict the effect of sequence changes on RNA splicing suggest that this variant may disrupt the consensus splice site, but this prediction has not been confirmed by published transcriptional studies. This variant has not been reported in the literature in individuals with HMGCL-related conditions. This sequence change affects a donor splice site in intron 2 of the HMGCL gene. It is expected to disrupt RNA splicing and likely results in an absent or disrupted protein product.

Literature cited by the submitters: PubMed 16199547 (cited by Labcorp Genetics (formerly Invitae), Labcorp); PubMed 9817922 (cited by Labcorp Genetics (formerly Invitae), Labcorp); PubMed 17692550 (cited by Labcorp Genetics (formerly Invitae), Labcorp); PubMed 23465862 (cited by Labcorp Genetics (formerly Invitae), Labcorp).